The following is an entry in ClinVar:

ClinVar aggregate classification (germline): Conflicting classifications of pathogenicity. Review status: criteria provided, conflicting classifications (1 of 4 stars). 15 submissions from 15 submitters: Uncertain significance (1); Benign (4); Likely benign (6). 4 of the submissions do not count toward it. Last evaluated 2026-01-26.

Conditions:
Cardiomyopathy (CMYO). Also called: Cardiomyopathies. Identifiers: Orphanet 167848, MedGen C0878544, MONDO:0004994, HP:0001638. Inheritance: Various modes of inheritance.
Becker muscular dystrophy (BMD). Also called: MUSCULAR DYSTROPHY, PSEUDOHYPERTROPHIC PROGRESSIVE, BECKER TYPE; Becker Muscular Dystrophy (BMD). Identifiers: Orphanet 98895, MedGen C0917713, MONDO:0010311, OMIM 300376.
Duchenne muscular dystrophy (DMD). Also called: Duchenne Muscular Dystrophy (DMD); MUSCULAR DYSTROPHY, PSEUDOHYPERTROPHIC PROGRESSIVE, DUCHENNE TYPE. Identifiers: Orphanet 98896, MedGen C0013264, MONDO:0010679, OMIM 310200.
Dystrophin deficiency.
DMD-related disorder. Also called: DMD-related condition.
Cardiovascular phenotype. Identifiers: MedGen CN230736.

Allele frequency attached by ClinVar (database versions not stated): gnomAD exomes 0.00020 and 0.00027; TOPMed 0.00026; ExAC 0.00031; gnomAD 0.00035 and 0.00036.
gnomAD v4.1: 262 of 1,210,165 alleles (0.022%); highest among the groups gnomAD compares: Middle Eastern, 0.023%; no homozygotes.

Submissions (16):

Labcorp Genetics (formerly Invitae), Labcorp
Classification: Benign for Duchenne muscular dystrophy. Last evaluated: 2026-01-26. Review status: criteria provided, single submitter. Criteria: Invitae Variant Classification Sherloc (09022015). Collection method: clinical testing. Allele origin: germline.

Women's Health and Genetics/Laboratory Corporation of America, LabCorp
Classification: Benign. Last evaluated: 2025-12-23. Review status: criteria provided, single submitter. Criteria: LabCorp Variant Classification Summary - May 2015. Collection method: clinical testing. Allele origin: germline.
Comment: Variant summary: DMD c.1934A>G (p.Asp645Gly) results in a non-conservative amino acid change located in the Rod domain (Prior_1994) of the encoded protein sequence. Algorithms developed to predict the effect of missense changes on protein structure and function are either unavailable or do not agree on the potential impact of this missense change. The variant allele was found at a frequency of 0.00022 in 1205128 control chromosomes in the gnomAD database (v4.1 dataset), including 81 hemizygotes. The observed variant frequency exceeds the estimated maximal expected allele frequency for disease-causing variants in DMD. c.1934A>G has been observed in individual(s) affected with Dystrophinopathies (e.g. Prior_1994). These report(s) do not provide unequivocal conclusions about association of the variant with Dystrophinopathies. To our knowledge, no experimental evidence demonstrating an impact on protein function has been reported. The following publication have been ascertained in the context of this evaluation (PMID: 7981690). ClinVar contains an entry for this variant (Variation ID: 281435). Based on the evidence outlined above, the variant was classified as benign.

Mayo Clinic Laboratories, Mayo Clinic
Classification: Likely benign. Last evaluated: 2025-12-18. Review status: criteria provided, single submitter. Criteria: ACMG Guidelines, 2015. Collection method: clinical testing. Allele origin: germline. Observed: 2 variant alleles.
Comment: BS2

ARUP Laboratories, Molecular Genetics and Genomics, ARUP Laboratories
Classification: Likely benign. Last evaluated: 2024-10-31. Review status: criteria provided, single submitter. Criteria: ARUP Molecular Germline Variant Investigation Process 2024. Collection method: clinical testing. Allele origin: germline.

Blueprint Genetics
Classification: Likely benign. Last evaluated: 2024-10-15. Review status: criteria provided, single submitter. Criteria: ACMG Guidelines, 2015. Collection method: clinical testing. Allele origin: germline.

Ambry Genetics
Classification: Benign for Cardiovascular phenotype. Last evaluated: 2022-08-24. Review status: criteria provided, single submitter. Criteria: Ambry Variant Classification Scheme 2023. Collection method: clinical testing. Allele origin: germline.

GeneDx
Classification: Benign. Last evaluated: 2020-12-21. Review status: criteria provided, single submitter. Criteria: GeneDx Variant Classification Process June 2021. Collection method: clinical testing. Allele origin: germline. Affected: yes.
Comment: This variant is associated with the following publications: (PMID: 7981690, 24274981, 25220406)

CeGaT Center for Human Genetics Tuebingen
Classification: Uncertain significance. Last evaluated: 2019-05-01. Review status: criteria provided, single submitter. Criteria: CeGaT Center For Human Genetics Tuebingen Variant Classification Criteria Version 2. Collection method: clinical testing. Allele origin: germline. Affected: yes. Observed: 1 variant allele.

Center for Pediatric Genomic Medicine, Children's Mercy Hospital and Clinics
Classification: Likely benign. Last evaluated: 2017-03-10. Review status: criteria provided, single submitter. Criteria: ACMG Guidelines, 2015. Collection method: clinical testing. Allele origin: germline.

Molecular Diagnostic Laboratory for Inherited Cardiovascular Disease, Montreal Heart Institute
Classification: Likely benign. Last evaluated: 2017-01-27. Review status: criteria provided, single submitter. Criteria: ACMG Guidelines, 2015. Collection method: clinical testing. Allele origin: germline. Affected: yes.

Eurofins Ntd Llc (ga)
Classification: Likely benign. Last evaluated: 2016-08-29. Review status: criteria provided, single submitter. Criteria: EGL Classification Definitions 2015. Collection method: clinical testing. Allele origin: germline. Observed: 3 variant alleles, 1 heterozygote, 2 hemizygotes.

PreventionGenetics, part of Exact Sciences
Classification: Likely benign for DMD-related condition. Last evaluated: 2021-03-09. Review status: no assertion criteria provided. Collection method: clinical testing. Allele origin: germline. Not counted in ClinVar's aggregate classification.
Comment: This variant is classified as likely benign based on ACMG/AMP sequence variant interpretation guidelines (Richards et al. 2015 PMID: 25741868, with internal and published modifications).

Natera, Inc.
Classification: Likely benign for Becker muscular dystrophy; Cardiomyopathy; Duchenne muscular dystrophy; Dystrophin deficiency. Last evaluated: 2020-01-22. Review status: no assertion criteria provided. Collection method: clinical testing. Allele origin: germline. Not counted in ClinVar's aggregate classification.

Clinical Genetics DNA and cytogenetics Diagnostics Lab, Erasmus MC, Erasmus Medical Center
Classification: Benign. Review status: no assertion criteria provided. Collection method: clinical testing. Allele origin: germline. Affected: yes. Study: VKGL Data-share Consensus. Not counted in ClinVar's aggregate classification.

Diagnostic Laboratory, Department of Genetics, University Medical Center Groningen
Classification: Likely benign. Review status: no assertion criteria provided. Collection method: clinical testing. Allele origin: germline. Affected: yes. Study: VKGL Data-share Consensus. Not counted in ClinVar's aggregate classification.

Dr. Peter K. Rogan Lab, Western University
No classification provided (evidence only). Condition: Clear cell carcinoma of kidney. Review status: no classification provided. Collection method: in vitro. Allele origin: not applicable. Functional consequence: retained intron. Not counted in ClinVar's aggregate classification.

Literature cited by the submitters: PubMed 7981690 (cited by Women's Health and Genetics/Laboratory Corporation of America, LabCorp and Mayo Clinic Laboratories, Mayo Clinic); PubMed 24274981 (cited by Mayo Clinic Laboratories, Mayo Clinic); PubMed 25220406 (cited by Mayo Clinic Laboratories, Mayo Clinic).

NM_004006.3(DMD):c.1934A>G (p.Asp645Gly)

Gene: DMD (dystrophin; minus strand). Cytogenetic location: Xp21.1.
Variant type: single nucleotide variant.
Coding change: c.1934A>G on transcript NM_004006.3 (MANE Select); coding-DNA position 1934, A replaced by G.
Protein change: p.Asp645Gly; replaces aspartic acid 645 with glycine.
Molecular consequence: missense variant.
Genome position (GRCh38, 1-based): chrX:32,565,760, T>C on the plus strand (A>G on the coding strand, the complement: DMD is on the minus strand). VCF-style: chrX-32565760-T-C. GRCh37 (hg19) VCF-style: chrX-32583877-T-C.
Other names: p.Asp645Gly; c.1910A>G, p.Asp637Gly (NM_000109.4); c.1922A>G, p.Asp641Gly (NM_004009.3); c.1565A>G, p.Asp522Gly (NM_004010.3); short protein forms D645G, D522G, D637G, D641G.
Identifiers: ClinVar variation 281435 (VCV000281435.74), dbSNP rs147822019, ClinGen allele CA10379682.